The following is an entry in ClinVar:

NM_022089.4(ATP13A2):c.1407_1428dup (p.Met477fs)

Gene: ATP13A2 (ATPase cation transporting 13A2; minus strand). Cytogenetic location: 1p36.13.
Variant type: Duplication.
Coding change: c.1407_1428dup on transcript NM_022089.4 (MANE Select); coding-DNA positions 1407 to 1428, 22 bases duplicated (GCCACCTGCCCTGCCTGCTGCC).
Protein change: p.Met477fs; shifts the reading frame from methionine 477.
Molecular consequence: frameshift variant.
Genome position (GRCh38, 1-based): chr1:16,996,090-16,996,111, GGCAGCAGGCAGGGCAGGTGGC duplicated on the plus strand (GCCACCTGCCCTGCCTGCTGCC on the coding strand, the reverse complement: ATP13A2 is on the minus strand). VCF-style (leftmost placement, unchanged base first): chr1-16996089-T-TGGCAGCAGGCAGGGCAGGTGGC. GRCh37 (hg19) VCF-style: chr1-17322584-T-TGGCAGCAGGCAGGGCAGGTGGC.
Other names: c.1392_1413dup, p.Met472fs (NM_001141973.3, NM_001141974.3); short protein forms M472fs, M477fs.
Identifiers: ClinVar variation 2505359 (VCV002505359.2), dbSNP rs2523601984, ClinGen allele CA2580611136.

ClinVar aggregate classification (germline): Likely pathogenic (1 of 4 stars; one submission).

Conditions:
Kufor-Rakeb syndrome (KRS). Also called: PARKINSON DISEASE 9, AUTOSOMAL RECESSIVE, JUVENILE-ONSET. Identifiers: Orphanet 306674, Orphanet 314632, MedGen C1847640, MONDO:0011706, OMIM 606693.

Submission:

Diagnostics Services (NGS), CSIR - Centre For Cellular And Molecular Biology
Classification: Likely pathogenic for Kufor-Rakeb syndrome. Last evaluated: 2023-05-26. Review status: criteria provided, single submitter. Criteria: ACMG Guidelines, 2015. Collection method: clinical testing. Allele origin: unknown. Affected: yes. Observed: 1 variant allele, 1 heterozygote.
Comment: The c.1407_1428dup variant is not present in publicly available population databases like 1000 Genomes, ExAC, EVS, gnomAD, Indian Exome Database or our in-house exome database. This variant has neither been published in literature nor reported to clinical databases like in ClinVar, Human Gene Mutation Database (HGMD) or OMIM, in any affected individuals. In-silico pathogenicity prediction programs like MutationTaster2, CADD, Varsome, Franklin etc predicted this variant to be likely deleterious. This variant causes frameshift at the 477th amino acid position of the original transcript that creates a premature translational stop signal in the altered transcript which may either result in translation of a truncated protein or cause nonsense mediated decay of the mRNA.